The following is an entry in ClinVar:

ClinVar aggregate classification (germline): Uncertain significance (1 of 4 stars; one submission).

Conditions:
Adams-Oliver syndrome 1 (AOS1). Also called: CONGENITAL SCALP DEFECTS WITH DISTAL LIMB REDUCTION ANOMALIES; APLASIA CUTIS CONGENITA WITH TERMINAL TRANSVERSE LIMB DEFECTS; ABSENCE DEFECT OF LIMBS, SCALP, AND SKULL. Identifiers: Orphanet 974, MedGen C4551482, MONDO:0024506, OMIM 100300.

Submission:

Baylor Genetics
Classification: Uncertain significance for Adams-Oliver syndrome 1. Last evaluated: 2020-01-22. Review status: criteria provided, single submitter. Criteria: ACMG Guidelines, 2015. Collection method: clinical testing. Allele origin: unknown. Affected: yes.
Comment: This variant was determined to be of uncertain significance according to ACMG Guidelines, 2015 [PMID:25741868].

NM_020754.4(ARHGAP31):c.745A>G (p.Ser249Gly)

Gene: ARHGAP31 (Rho GTPase activating protein 31; plus strand). Cytogenetic location: 3q13.33.
Variant type: single nucleotide variant.
Coding change: c.745A>G on transcript NM_020754.4 (MANE Select); coding-DNA position 745, A replaced by G.
Protein change: p.Ser249Gly; replaces serine 249 with glycine.
Molecular consequence: missense variant.
Genome position (GRCh38, 1-based): chr3:119,390,847, A>G. VCF-style: chr3-119390847-A-G. GRCh37 (hg19) VCF-style: chr3-119109694-A-G.
Other names: short protein forms S249G.
Identifiers: ClinVar variation 1028182 (VCV001028182.1), dbSNP rs2080497464, ClinGen allele CA354031639.